The following is an entry in ClinVar:

NM_006939.4(SOS2):c.3284C>G (p.Ser1095Cys)

Gene: SOS2 (SOS Ras/Rho guanine nucleotide exchange factor 2; minus strand). Cytogenetic location: 14q21.3.
Variant type: single nucleotide variant.
Coding change: c.3284C>G on transcript NM_006939.4 (MANE Select); coding-DNA position 3284, C replaced by G.
Protein change: p.Ser1095Cys; replaces serine 1095 with cysteine.
Molecular consequence: missense variant.
Genome position (GRCh38, 1-based): chr14:50,130,554, G>C on the plus strand (C>G on the coding strand, the complement: SOS2 is on the minus strand). VCF-style: chr14-50130554-G-C. GRCh37 (hg19) VCF-style: chr14-50597272-G-C.
Other names: c.3185C>G, p.Ser1062Cys (NM_001411020.1); short protein forms S1095C, S1062C.
Identifiers: ClinVar variation 2797699 (VCV002797699.3), dbSNP rs747159089, ClinGen allele CA7176846.

ClinVar aggregate classification (germline): Uncertain significance (1 of 4 stars; one submission).

Conditions:
Noonan syndrome 9 (NS9). Identifiers: Orphanet 648, MedGen C4225282, MONDO:0014691, OMIM 616559.

Allele frequency attached by ClinVar (database versions not stated): ExAC 0.00002.
gnomAD v4.1: 4 of 1,613,912 alleles (0.00025%); highest among the groups gnomAD compares: South Asian, 0.0044%; no homozygotes.

Submission:

Labcorp Genetics (formerly Invitae), Labcorp
Classification: Uncertain significance for Noonan syndrome 9. Last evaluated: 2024-01-14. Review status: criteria provided, single submitter. Criteria: Invitae Variant Classification Sherloc (09022015). Collection method: clinical testing. Allele origin: germline.
Comment: This sequence change replaces serine, which is neutral and polar, with cysteine, which is neutral and slightly polar, at codon 1095 of the SOS2 protein (p.Ser1095Cys). This variant is present in population databases (rs747159089, gnomAD 0.006%). This variant has not been reported in the literature in individuals affected with SOS2-related conditions. Advanced modeling of protein sequence and biophysical properties (such as structural, functional, and spatial information, amino acid conservation, physicochemical variation, residue mobility, and thermodynamic stability) performed at Invitae indicates that this missense variant is not expected to disrupt SOS2 protein function with a negative predictive value of 80%. In summary, the available evidence is currently insufficient to determine the role of this variant in disease. Therefore, it has been classified as a Variant of Uncertain Significance.